The following is an entry in ClinVar:

NM_000051.4(ATM):c.4540G>A (p.Glu1514Lys)

Gene: ATM (ATM serine/threonine kinase; plus strand). Cytogenetic location: 11q22.3.
Variant type: single nucleotide variant.
Coding change: c.4540G>A on transcript NM_000051.4 (MANE Select); coding-DNA position 4540, G replaced by A.
Protein change: p.Glu1514Lys; replaces glutamic acid 1514 with lysine.
Molecular consequence: missense variant.
Genome position (GRCh38, 1-based): chr11:108,292,722, G>A. VCF-style: chr11-108292722-G-A. GRCh37 (hg19) VCF-style: chr11-108163449-G-A.
Other names: c.4540G>A, p.Glu1514Lys (NM_001351834.2); short protein forms E1514K.
Identifiers: ClinVar variation 2833859 (VCV002833859.3), dbSNP rs2135800584, ClinGen allele CA382533741.

ClinVar aggregate classification (germline): Uncertain significance (1 of 4 stars; one submission).

Conditions:
Ataxia-telangiectasia syndrome (AT). Also called: LOUIS-BAR SYNDROME; Ataxia-telangiectasia, complementation group D; ATAXIA-TELANGIECTASIA, COMPLEMENTATION GROUP A; ATAXIA-TELANGIECTASIA, FRESNO VARIANT; Ataxia-telangiectasia; Ataxia telangiectasia (A-T). Identifiers: Orphanet 100, MedGen C0004135, MONDO:0008840, OMIM 208900.

Submission:

Labcorp Genetics (formerly Invitae), Labcorp
Classification: Uncertain significance for Ataxia-telangiectasia syndrome. Last evaluated: 2023-02-02. Review status: criteria provided, single submitter. Criteria: Invitae Variant Classification Sherloc (09022015). Collection method: clinical testing. Allele origin: germline.
Comment: This sequence change replaces glutamic acid, which is acidic and polar, with lysine, which is basic and polar, at codon 1514 of the ATM protein (p.Glu1514Lys). This variant is not present in population databases (gnomAD no frequency). This variant has not been reported in the literature in individuals affected with ATM-related conditions. Algorithms developed to predict the effect of missense changes on protein structure and function (SIFT, PolyPhen-2, Align-GVGD) all suggest that this variant is likely to be tolerated. In summary, the available evidence is currently insufficient to determine the role of this variant in disease. Therefore, it has been classified as a Variant of Uncertain Significance.